The following is an entry in ClinVar:

NM_003396.3(WNT9B):c.188G>A (p.Arg63Gln)

Genes: LRRC37A2 (leucine rich repeat containing 37 member A2), WNT9B (Wnt family member 9B; plus strand). Cytogenetic location: 17q21.32.
Variant type: single nucleotide variant.
Coding change: c.188G>A on transcript NM_003396.3 (MANE Select); coding-DNA position 188, G replaced by A.
Protein change: p.Arg63Gln; replaces arginine 63 with glutamine.
Molecular consequence: missense variant.
Genome position (GRCh38, 1-based): chr17:46,872,627, G>A. VCF-style: chr17-46872627-G-A. GRCh37 (hg19) VCF-style: chr17-44949993-G-A.
Other names: c.188G>A, p.Arg63Gln (NM_001320458.2); c.188G>A (NM_003396.1); short protein forms R63Q.
Identifiers: ClinVar variation 2908065 (VCV002908065.4), dbSNP rs149418183, ClinGen allele CA8620788.
Genomic context (GRCh38, chr17:46,872,627, plus strand): 5'-CAGCCCCGGCACAGGGCGGGGCCCACCTGAAGCAGTGTGACCTGCTGAAGCTGTCCCGGC[G>A]GCAGAAGCAGCTCTGCCGGAGGGAGCCCGGCCTGGCTGAGACCCTGAGGGATGCTGCGCA-3'
Protein context (NP_003387.1, residues 53-73): KQCDLLKLSR[Arg63Gln]QKQLCRREPG

ClinVar aggregate classification (germline): Uncertain significance. Review status: criteria provided, multiple submitters, no conflicts (2 of 4 stars). 2 submissions from 2 submitters: Uncertain significance (2). Last evaluated 2025-06-23.

Conditions:
Inborn genetic diseases. Identifiers: MedGen C0950123, MeSH D030342.

Allele frequency attached by ClinVar (database versions not stated): gnomAD exomes 0.00002; gnomAD 0.00006; ExAC 0.00007; ESP Exome Variant Server 0.00008; TOPMed 0.00010.
gnomAD v4.1: 39 of 1,613,396 alleles (0.0024%); highest among the groups gnomAD compares: East Asian, 0.027%; no homozygotes.

Submissions (2):

Ambry Genetics
Classification: Uncertain significance for Inborn genetic diseases. Last evaluated: 2025-06-23. Review status: criteria provided, single submitter. Criteria: Ambry Variant Classification Scheme 2023. Collection method: clinical testing. Allele origin: germline.

Labcorp Genetics (formerly Invitae), Labcorp
Classification: Uncertain significance. Last evaluated: 2023-07-10. Review status: criteria provided, single submitter. Criteria: Invitae Variant Classification Sherloc (09022015). Collection method: clinical testing. Allele origin: germline.
Comment: An algorithm developed to predict the effect of missense changes on protein structure and function (PolyPhen-2) suggests that this variant is likely to be tolerated. In summary, the available evidence is currently insufficient to determine the role of this variant in disease. Therefore, it has been classified as a Variant of Uncertain Significance. This variant has not been reported in the literature in individuals affected with WNT9B-related conditions. This variant is present in population databases (rs149418183, gnomAD 0.03%). This sequence change replaces arginine, which is basic and polar, with glutamine, which is neutral and polar, at codon 63 of the WNT9B protein (p.Arg63Gln).